The following is an entry in ClinVar:

NM_001206927.2(DNAH8):c.12800T>C (p.Leu4267Pro)

Gene: DNAH8 (dynein axonemal heavy chain 8; plus strand). Cytogenetic location: 6p21.2.
Variant type: single nucleotide variant.
Coding change: c.12800T>C on transcript NM_001206927.2 (MANE Select); coding-DNA position 12800, T replaced by C.
Protein change: p.Leu4267Pro; replaces leucine 4267 with proline.
Molecular consequence: missense variant.
Genome position (GRCh38, 1-based): chr6:38,974,495, T>C. VCF-style: chr6-38974495-T-C. GRCh37 (hg19) VCF-style: chr6-38942271-T-C.
Other names: c.12149T>C, p.Leu4050Pro (NM_001371.4); short protein forms L4267P, L4050P.
Identifiers: ClinVar variation 1500096 (VCV001500096.6), dbSNP rs2150696793, ClinGen allele CA364004668.

ClinVar aggregate classification (germline): Uncertain significance (1 of 4 stars; one submission).

Conditions:
Primary ciliary dyskinesia. Also called: Ciliary dyskinesia. Identifiers: Orphanet 244, MedGen C0008780, MONDO:0016575, HP:0012265.

gnomAD v4.1: 2 of 1,613,786 alleles (0.00012%); highest among the groups gnomAD compares: Non-Finnish European, 0.00017%; no homozygotes.

Submission:

Labcorp Genetics (formerly Invitae), Labcorp
Classification: Uncertain significance for Primary ciliary dyskinesia. Last evaluated: 2025-01-13. Review status: criteria provided, single submitter. Criteria: Invitae Variant Classification Sherloc (09022015). Collection method: clinical testing. Allele origin: germline.
Comment: This sequence change replaces leucine, which is neutral and non-polar, with proline, which is neutral and non-polar, at codon 4267 of the DNAH8 protein (p.Leu4267Pro). This variant is not present in population databases (gnomAD no frequency). This variant has not been reported in the literature in individuals affected with DNAH8-related conditions. ClinVar contains an entry for this variant (Variation ID: 1500096). Invitae Evidence Modeling of protein sequence and biophysical properties (such as structural, functional, and spatial information, amino acid conservation, physicochemical variation, residue mobility, and thermodynamic stability) indicates that this missense variant is expected to disrupt DNAH8 protein function with a positive predictive value of 80%. In summary, the available evidence is currently insufficient to determine the role of this variant in disease. Therefore, it has been classified as a Variant of Uncertain Significance.